The following is an entry in ClinVar:

ClinVar aggregate classification (germline): Pathogenic/Likely pathogenic. Review status: criteria provided, multiple submitters, no conflicts (2 of 4 stars). 5 submissions from 5 submitters: Pathogenic (4); Likely pathogenic (1). Last evaluated 2026-07-30.

Conditions:
Ehlers-Danlos syndrome due to tenascin-X deficiency (EDSCLL1). Also called: TNXB-Related Classical-Like Ehlers-Danlos Syndrome; TNX DEFICIENCY; EHLERS-DANLOS SYNDROME, CLASSIC-LIKE; Ehlers-Danlos syndrome, classic-like, 1; EDS DUE TO TNX DEFICIENCY. Identifiers: Orphanet 230839, MedGen C1848029, MONDO:0011670, OMIM 606408.
Vesicoureteral reflux 8 (VUR8). Identifiers: Orphanet 289365, MedGen C4014831, MONDO:0014422, OMIM 615963.
Cardiovascular phenotype. Identifiers: MedGen CN230736.

Allele frequency attached by ClinVar (database versions not stated): gnomAD exomes below 0.00001.

Submissions (5):

Myriad Genetics, Inc.
Classification: Pathogenic for Ehlers-Danlos syndrome due to tenascin-X deficiency. Last evaluated: 2026-07-30. Review status: criteria provided, single submitter. Criteria: Myriad Autosomal Dominant, Autosomal Recessive and X-Linked Classification Criteria (2023). Collection method: clinical testing. Allele origin: unknown.
Comment: NM_019105.6(TNXB):c.3288delC(Y1096*) is a nonsense variant classified as pathogenic in the context of classical-like Ehlers-Danlos syndrome, TNXB-related. Y1096* has not been observed in cases with relevant disease. Relevant functional assessments of this variant are not available in the literature. Y1096* has not been observed in referenced population frequency databases. In summary, NM_019105.6(TNXB):c.3288delC(Y1096*) is a nonsense variant in a gene where loss of function is a known mechanism of disease and is predicted to disrupt protein function. Please note: this variant was assessed in the context of healthy population screening.

Institute of Human Genetics, University of Leipzig Medical Center
Classification: Pathogenic for Ehlers-Danlos syndrome due to tenascin-X deficiency. Last evaluated: 2026-06-17. Review status: criteria provided, single submitter. Criteria: ACMG Guidelines, 2015. Collection method: clinical testing. Allele origin: unknown. Inheritance: Autosomal recessive inheritance. Affected: yes.
Comment: Criteria applied: PM2,PVS1

Ambry Genetics
Classification: Pathogenic for Cardiovascular phenotype. Last evaluated: 2026-04-16. Review status: criteria provided, single submitter. Criteria: Ambry Variant Classification Scheme 2023. Collection method: clinical testing. Allele origin: germline.
Comment: The c.3288delC pathogenic mutation, located in coding exon 7 of the TNXB gene, results from a deletion of one nucleotide at nucleotide position 3288, causing a translational frameshift with a predicted alternate stop codon (p.Y1096*). This variant is considered to be rare based on population cohorts in the Genome Aggregation Database (gnomAD). This variant is expected to result in loss of function by premature protein truncation or nonsense-mediated mRNA decay. As such, this variant is interpreted as a disease-causing mutation.

Fulgent Genetics
Classification: Likely pathogenic for Ehlers-Danlos syndrome due to tenascin-X deficiency; Vesicoureteral reflux 8. Last evaluated: 2024-03-12. Review status: criteria provided, single submitter. Criteria: ACMG Guidelines, 2015. Collection method: clinical testing. Allele origin: germline.

CeGaT Center for Human Genetics Tuebingen
Classification: Pathogenic. Last evaluated: 2023-07-01. Review status: criteria provided, single submitter. Criteria: CeGaT Center For Human Genetics Tuebingen Variant Classification Criteria Version 2. Collection method: clinical testing. Allele origin: germline. Affected: yes. Observed: 3 variant alleles.
Comment: TNXB: PVS1, PM2

NM_001365276.2(TNXB):c.3288del (p.Gln1095_Tyr1096insTer)

Gene: TNXB (tenascin XB; minus strand). Cytogenetic location: 6p21.33.
Variant type: Deletion.
Coding change: c.3288del on transcript NM_001365276.2 (MANE Select); coding-DNA position 3288, one base deleted (C; older notation c.3288delC).
Protein change: p.Gln1095_Tyr1096insTer.
Molecular consequence: nonsense.
Genome position (GRCh38, 1-based): chr6:32,084,570, G deleted on the plus strand (C on the coding strand, the reverse complement: TNXB is on the minus strand). VCF-style (leftmost placement, unchanged base first): chr6-32084569-TG-T. GRCh37 (hg19) VCF-style: chr6-32052346-TG-T.
Other names: c.3288del, p.Gln1095_Tyr1096insTer (NM_019105.8).
Identifiers: ClinVar variation 871711 (VCV000871711.47), dbSNP rs1779660599, ClinGen allele CA1139659476.